The following is an entry in ClinVar:

NM_003737.4(DCHS1):c.1814C>T (p.Ala605Val)

Gene: DCHS1 (dachsous cadherin-related 1; minus strand). Cytogenetic location: 11p15.4.
Variant type: single nucleotide variant.
Coding change: c.1814C>T on transcript NM_003737.4 (MANE Select); coding-DNA position 1814, C replaced by T.
Protein change: p.Ala605Val; replaces alanine 605 with valine.
Molecular consequence: missense variant.
Genome position (GRCh38, 1-based): chr11:6,634,290, G>A on the plus strand (C>T on the coding strand, the complement: DCHS1 is on the minus strand). VCF-style: chr11-6634290-G-A. GRCh37 (hg19) VCF-style: chr11-6655521-G-A.
Other names: c.1814C>T (NM_003737.2); short protein forms A605V.
Identifiers: ClinVar variation 1474387 (VCV001474387.7), dbSNP rs368754990, ClinGen allele CA5860877.
Genomic context (GRCh38, chr11:6,634,290, plus strand): 5'-CCGGAGGACCCAAGTCCAGCACCCAAGGAATAGGAGAGGAGGCCAAATGGGCCACTATCC[G>A]CGTCTGTGGCTGTCACCTAGGGAGAGGCTGGGGTGAGTGGTGTCCCCTCTTCTTTGCCAG-3'
Protein context (NP_003728.1, residues 595-615): TCFLQVTATD[Ala605Val]DSGPFGLLSY

ClinVar aggregate classification (germline): Uncertain significance. Review status: criteria provided, multiple submitters, no conflicts (2 of 4 stars). 3 submissions from 3 submitters: Uncertain significance (3). Last evaluated 2025-02-25.

Conditions:
Inborn genetic diseases. Identifiers: MedGen C0950123, MeSH D030342.

Allele frequency attached by ClinVar (database versions not stated): gnomAD exomes 0.00004 and 0.00005; ExAC 0.00005; gnomAD 0.00005 and 0.00006; ESP Exome Variant Server 0.00008; TOPMed 0.00008.
gnomAD v4.1: 75 of 1,602,076 alleles (0.0047%); highest among the groups gnomAD compares: East Asian, 0.02%; no homozygotes.

Submissions (3):

Ambry Genetics
Classification: Uncertain significance for Inborn genetic diseases. Last evaluated: 2025-02-25. Review status: criteria provided, single submitter. Criteria: Ambry Variant Classification Scheme 2023. Collection method: clinical testing. Allele origin: germline.

Labcorp Genetics (formerly Invitae), Labcorp
Classification: Uncertain significance. Last evaluated: 2024-05-16. Review status: criteria provided, single submitter. Criteria: Invitae Variant Classification Sherloc (09022015). Collection method: clinical testing. Allele origin: germline.
Comment: This sequence change replaces alanine, which is neutral and non-polar, with valine, which is neutral and non-polar, at codon 605 of the DCHS1 protein (p.Ala605Val). This variant is present in population databases (rs368754990, gnomAD 0.02%). This variant has not been reported in the literature in individuals affected with DCHS1-related conditions. ClinVar contains an entry for this variant (Variation ID: 1474387). Advanced modeling of protein sequence and biophysical properties (such as structural, functional, and spatial information, amino acid conservation, physicochemical variation, residue mobility, and thermodynamic stability) has been performed at Invitae for this missense variant, however the output from this modeling did not meet the statistical confidence thresholds required to predict the impact of this variant on DCHS1 protein function. In summary, the available evidence is currently insufficient to determine the role of this variant in disease. Therefore, it has been classified as a Variant of Uncertain Significance.

Blueprint Genetics
Classification: Uncertain significance. Last evaluated: 2023-12-12. Review status: criteria provided, single submitter. Criteria: ACMG Guidelines, 2015. Collection method: clinical testing. Allele origin: germline.